The following is an entry in ClinVar:

NM_005996.4(TBX3):c.582G>A (p.Gly194=)

Gene: TBX3 (T-box transcription factor 3; minus strand). Cytogenetic location: 12q24.21.
Variant type: single nucleotide variant.
Coding change: c.582G>A on transcript NM_005996.4 (MANE Select); coding-DNA position 582, G replaced by A.
Protein change: p.Gly194=; no amino-acid change (glycine 194 retained).
Molecular consequence: synonymous variant.
Genome position (GRCh38, 1-based): chr12:114,680,954, C>T on the plus strand (G>A on the coding strand, the complement: TBX3 is on the minus strand). VCF-style: chr12-114680954-C-T. GRCh37 (hg19) VCF-style: chr12-115118759-C-T.
Other names: c.582G>A, p.Gly194= (NM_016569.4); c.582G>A (NM_016569.3).
Identifiers: ClinVar variation 2414812 (VCV002414812.8), dbSNP rs772135214, ClinGen allele CA6810169.
Genomic context (GRCh38, chr12:114,680,954, plus strand): 5'-TGAAATGTTGTTGGTGAGTTTCAGTTTGTGGAAAGTGACGACTTTGGACATCCACTGTTC[C>T]CCAGTAGCGGGGCTGTCCGGGTGAATGTACATCCTCTTTGGCATTTCGGGGTCGGCCTTA-3'
Protein context (NP_005987.3, residues 184-204): MYIHPDSPAT[Gly194=]EQWMSKVVTF

ClinVar aggregate classification (germline): Likely benign. Review status: criteria provided, multiple submitters, no conflicts (2 of 4 stars). 2 submissions from 2 submitters: Likely benign (2). Last evaluated 2025-07-30.

Conditions:
Ulnar-mammary syndrome (UMS). Also called: SCHINZEL SYNDROME; Ulnar-mammary syndrome of Pallister; PALLISTER ULNAR-MAMMARY SYNDROME. Identifiers: Orphanet 3138, MedGen C1866994, MONDO:0008411, OMIM 181450.
TBX3-related disorder. Also called: TBX3-related condition.

Allele frequency attached by ClinVar (database versions not stated): gnomAD 0.00001; TOPMed 0.00001; ExAC 0.00002.
gnomAD v4.1: 8 of 1,613,780 alleles (0.0005%); highest among the groups gnomAD compares: Admixed American, 0.013%; no homozygotes.

Submissions (2):

Labcorp Genetics (formerly Invitae), Labcorp
Classification: Likely benign for Ulnar-mammary syndrome. Last evaluated: 2025-07-30. Review status: criteria provided, single submitter. Criteria: Invitae Variant Classification Sherloc (09022015). Collection method: clinical testing. Allele origin: germline.

PreventionGenetics, part of Exact Sciences
Classification: Likely benign for TBX3-related condition. Last evaluated: 2024-11-26. Review status: criteria provided, single submitter. Criteria: ACMG Guidelines, 2015. Collection method: clinical testing. Allele origin: germline.
Comment: This variant is classified as likely benign based on ACMG/AMP sequence variant interpretation guidelines (Richards et al. 2015 PMID: 25741868, with internal and published modifications).